The following is an entry in ClinVar:

NM_006231.4(POLE):c.4441C>G (p.Pro1481Ala)

Gene: POLE (DNA polymerase epsilon, catalytic subunit; minus strand). Cytogenetic location: 12q24.33.
Variant type: single nucleotide variant.
Coding change: c.4441C>G on transcript NM_006231.4 (MANE Select); coding-DNA position 4441, C replaced by G.
Protein change: p.Pro1481Ala; replaces proline 1481 with alanine.
Molecular consequence: missense variant.
Genome position (GRCh38, 1-based): chr12:132,643,410, G>C on the plus strand (C>G on the coding strand, the complement: POLE is on the minus strand). VCF-style: chr12-132643410-G-C. GRCh37 (hg19) VCF-style: chr12-133219996-G-C.
Other names: short protein forms P1481A.
Identifiers: ClinVar variation 1740630 (VCV001740630.5), dbSNP rs765477380, ClinGen allele CA387380900.

ClinVar aggregate classification (germline): Uncertain significance. Review status: criteria provided, multiple submitters, no conflicts (2 of 4 stars). 2 submissions from 2 submitters: Uncertain significance (2). Last evaluated 2025-09-19.

Conditions:
Hereditary cancer-predisposing syndrome. Also called: Hereditary Cancer Syndrome; Hereditary neoplastic syndrome; Neoplastic Syndromes, Hereditary; Tumor predisposition. Identifiers: Orphanet 140162, MedGen C0027672, MeSH D009386, MONDO:0015356.

Submissions (2):

Labcorp Genetics (formerly Invitae), Labcorp
Classification: Uncertain significance. Last evaluated: 2025-09-19. Review status: criteria provided, single submitter. Criteria: Invitae Variant Classification Sherloc (09022015). Collection method: clinical testing. Allele origin: germline.
Comment: This sequence change replaces proline, which is neutral and non-polar, with alanine, which is neutral and non-polar, at codon 1481 of the POLE protein (p.Pro1481Ala). This variant is not present in population databases (gnomAD no frequency). This variant has not been reported in the literature in individuals affected with POLE-related conditions. ClinVar contains an entry for this variant (Variation ID: 1740630). Invitae Evidence Modeling of protein sequence and biophysical properties (such as structural, functional, and spatial information, amino acid conservation, physicochemical variation, residue mobility, and thermodynamic stability) indicates that this missense variant is not expected to disrupt POLE protein function with a negative predictive value of 80%. In summary, the available evidence is currently insufficient to determine the role of this variant in disease. Therefore, it has been classified as a Variant of Uncertain Significance.

Ambry Genetics
Classification: Uncertain significance for Hereditary cancer-predisposing syndrome. Last evaluated: 2022-03-04. Review status: criteria provided, single submitter. Criteria: Ambry Variant Classification Scheme 2023. Collection method: clinical testing. Allele origin: germline.
Comment: The p.P1481A variant (also known as c.4441C>G), located in coding exon 34 of the POLE gene, results from a C to G substitution at nucleotide position 4441. The proline at codon 1481 is replaced by alanine, an amino acid with highly similar properties. This amino acid position is conserved. In addition, the in silico prediction for this alteration is inconclusive. Since supporting evidence is limited at this time, the clinical significance of this alteration remains unclear.